The following is an entry in ClinVar:

ClinVar aggregate classification (germline): Uncertain significance. Review status: criteria provided, multiple submitters, no conflicts (2 of 4 stars). 8 submissions from 8 submitters: Uncertain significance (7). 1 of the submissions does not count toward it. Last evaluated 2026-10-01.

Conditions:
Breast and/or ovarian cancer. Identifiers: MedGen CN221562.
Hereditary cancer-predisposing syndrome. Also called: Neoplastic Syndromes, Hereditary; Tumor predisposition; Hereditary neoplastic syndrome; Hereditary Cancer Syndrome. Identifiers: Orphanet 140162, MedGen C0027672, MeSH D009386, MONDO:0015356.
Hereditary diffuse gastric adenocarcinoma (HDGC). Also called: DIFFUSE GASTRIC AND LOBULAR BREAST CANCER SYNDROME. Identifiers: Orphanet 26106, MedGen C1708349, MONDO:0007648, OMIM 137215.
Malignant tumor of breast. Also called: Malignant breast neoplasm; Cancer breast. Identifiers: MedGen C0006142, MONDO:0007254. Disease mechanism: loss of function.

Allele frequency attached by ClinVar (database versions not stated): TOPMed below 0.00001; gnomAD 0.00001; gnomAD exomes 0.00001; ExAC 0.00002; ESP Exome Variant Server 0.00008.

Submissions (8):

St. Jude Molecular Pathology, St. Jude Children's Research Hospital
Classification: Uncertain significance for Hereditary diffuse gastric adenocarcinoma. Last evaluated: 2026-10-01. Review status: criteria provided, single submitter. Criteria: St. Jude Assertion Criteria 2020. Collection method: clinical testing. Allele origin: germline.
Comment: The CDH1 c.574A>G p.(Ile192Val) missense change has a maximum subpopulation frequency of 0.002% in gnomAD v2.1.1. The in silico tool REVEL predicts a benign effect on protein function, but to our knowledge this predict ion has not been confirmed by functional studies. To our knowledge, this variant has not been reported in the literature in individuals with diffuse gastric and lobular breast cancer syndrome. In summary, the evidence currently available is insufficient to determine the clinical significance of this variant. It has therefore been classified as of uncertain significance.

Color Diagnostics, LLC DBA Color Health
Classification: Uncertain significance for Hereditary cancer-predisposing syndrome. Last evaluated: 2025-12-10. Review status: criteria provided, single submitter. Criteria: ACMG Guidelines, 2015. Collection method: clinical testing. Allele origin: germline.
Comment: This missense variant replaces isoleucine with valine at codon 192 of the CDH1 protein. To our knowledge, functional studies have not been reported for this variant. This variant has been reported in an individual affected with breast cancer (PMID: 32885271). This variant has been identified in 9/1614090 chromosomes in the general population by the Genome Aggregation Database (gnomAD). The available evidence is insufficient to determine the role of this variant in disease conclusively. Therefore, this variant is classified as a Variant of Uncertain Significance.

Labcorp Genetics (formerly Invitae), Labcorp
Classification: Uncertain significance for Hereditary diffuse gastric adenocarcinoma. Last evaluated: 2025-10-29. Review status: criteria provided, single submitter. Criteria: Invitae Variant Classification Sherloc (09022015). Collection method: clinical testing. Allele origin: germline.
Comment: This sequence change replaces isoleucine, which is neutral and non-polar, with valine, which is neutral and non-polar, at codon 192 of the CDH1 protein (p.Ile192Val). This variant is present in population databases (rs376102028, gnomAD 0.003%). This variant has not been reported in the literature in individuals affected with CDH1-related conditions. ClinVar contains an entry for this variant (Variation ID: 141673). An algorithm developed to predict the effect of missense changes on protein structure and function (PolyPhen-2) suggests that this variant is likely to be disruptive. In summary, the available evidence is currently insufficient to determine the role of this variant in disease. Therefore, it has been classified as a Variant of Uncertain Significance.

Ambry Genetics
Classification: Uncertain significance for Hereditary cancer-predisposing syndrome. Last evaluated: 2024-05-08. Review status: criteria provided, single submitter. Criteria: Ambry Variant Classification Scheme 2023. Collection method: clinical testing. Allele origin: germline.
Comment: The p.I192V variant (also known as c.574A>G), located in coding exon 5 of the CDH1 gene, results from an A to G substitution at nucleotide position 574. The isoleucine at codon 192 is replaced by valine, an amino acid with highly similar properties. This variant was also observed in 1/3251 individuals who met eligibility criteria for hereditary breast and ovarian cancer syndrome. This amino acid position is highly conserved in available vertebrate species. In addition, the in silico prediction for this alteration is inconclusive. Since supporting evidence is limited at this time, the clinical significance of this alteration remains unclear.

GeneDx
Classification: Uncertain significance. Last evaluated: 2023-09-13. Review status: criteria provided, single submitter. Criteria: GeneDx Variant Classification Process June 2021. Collection method: clinical testing. Allele origin: germline. Affected: yes.
Comment: Not observed at significant frequency in large population cohorts (gnomAD); In silico analysis supports that this missense variant does not alter protein structure/function; Identified in an individual with personal and family history of breast cancer (Lerner-Ellis et al., 2021); This variant is associated with the following publications: (PMID: 15235021, 22850631, 32885271)

CHEO Genetics Diagnostic Laboratory, Children's Hospital of Eastern Ontario
Classification: Uncertain significance for Breast and/or ovarian cancer. Last evaluated: 2023-02-23. Review status: criteria provided, single submitter. Criteria: ACMG Guidelines, 2015. Collection method: clinical testing. Allele origin: germline.

PreventionGenetics, part of Exact Sciences
Classification: Uncertain significance. Last evaluated: 2017-10-12. Review status: criteria provided, single submitter. Criteria: ACMG Guidelines, 2015. Collection method: clinical testing. Allele origin: germline.

Department of Pathology and Laboratory Medicine, Sinai Health System
Classification: Uncertain significance for Malignant tumor of breast. Review status: no assertion criteria provided. Collection method: clinical testing. Allele origin: unknown. Affected: yes. Study: The Canadian Open Genetics Repository (COGR). Not counted in ClinVar's aggregate classification.
Comment: The CDH1 p.Ile192Val variant was not identified in the literature. The variant was identified in dbSNP (ID: rs376102028) as â€šÃ„ÃºWith Uncertain significance alleleâ€šÃ„Ã¹ and ClinVar (classified as uncertain significance by Ambry Genetics, Color, Invitae and Prevention Genetics). The variant was identified in control databases in 3 of 246026 chromosomes at a frequency of 0.00001 (Genome Aggregation Database Feb 27, 2017). The variant was observed in the European Non-Finnish population in 3 of 111508 chromosomes (freq: 0.00003), while it was not observed in the African, Other, Latino, Ashkenazi Jewish, East Asian, European Finnish, or South Asian populations. The p.Ile192 residue is conserved in mammals and computational analyses (PolyPhen-2, SIFT, AlignGVGD, BLOSUM, MutationTaster) provide inconsistent predictions regarding the impact of the Val variant on the protein; this information is not very predictive of pathogenicity. The variant occurs outside of the splicing consensus sequence and in silico or computational prediction software programs (SpliceSiteFinder, MaxEntScan, NNSPLICE, GeneSplicer) do not predict a difference in splicing. In summary, based on the above information, the clinical significance of this variant cannot be determined with certainty at this time. This variant is classified as a variant of uncertain significance.

Literature cited by the submitters: PubMed 32885271 (cited by Color Diagnostics, LLC DBA Color Health and Ambry Genetics).

NM_004360.5(CDH1):c.574A>G (p.Ile192Val)

Gene: CDH1 (cadherin 1; plus strand). Cytogenetic location: 16q22.1.
Variant type: single nucleotide variant.
Coding change: c.574A>G on transcript NM_004360.5 (MANE Select); coding-DNA position 574, A replaced by G.
Protein change: p.Ile192Val; replaces isoleucine 192 with valine.
Molecular consequence: missense variant. On other transcripts: 5 prime UTR variant (2).
Genome position (GRCh38, 1-based): chr16:68,808,735, A>G. VCF-style: chr16-68808735-A-G. GRCh37 (hg19) VCF-style: chr16-68842638-A-G.
Other names: c.574A>G (LRG_301t1); c.574A>G, p.Ile192Val (NM_001317184.2); c.-1042A>G (NM_001317185.2); c.-1246A>G (NM_001317186.2); short protein forms I192V.
Identifiers: ClinVar variation 141673 (VCV000141673.26), dbSNP rs376102028, ClinGen allele CA166100.